The following is an entry in ClinVar:

NM_138927.4(SON):c.4119_4142dup (p.Glu1385_Pro1386insSerSerThrValThrValLeuGlu)

Gene: SON (SON DNA and RNA binding protein; plus strand). Cytogenetic location: 21q22.11.
Variant type: Duplication.
Coding change: c.4119_4142dup on transcript NM_138927.4 (MANE Select); coding-DNA positions 4119 to 4142, 24 bases duplicated (GACTGTCCTGGAGTCTTCGACTGT).
Protein change: p.Glu1385_Pro1386insSerSerThrValThrValLeuGlu.
Molecular consequence: inframe insertion. On other transcripts: inframe indel (3), non-coding transcript variant (1), intron variant (1).
Genome position (GRCh38, 1-based): chr21:33,553,350-33,553,373, GACTGTCCTGGAGTCTTCGACTGT duplicated; duplicating any 24 consecutive bases within chr21:33,553,330-33,553,373 gives the same sequence; the c. name uses the placement nearest the transcript's 3' end. VCF-style (leftmost placement, unchanged base first): chr21-33553329-C-CGTCCTGGAGTCTTCGACTGTGACT. GRCh37 (hg19) VCF-style: chr21-34925635-C-CGTCCTGGAGTCTTCGACTGTGACT.
Other names: c.4119_4142dup, p.Glu1385_Pro1386insSerSerThrValThrValLeuGlu (NM_001291411.2, NM_001412133.1, NM_032195.3 and 2 more transcripts); c.245-3806_245-3783dup (NM_001291412.3); c.4119_4142dupGACTGTCCTGGAGTCTTCGACTGT (NM_138927.1).
Identifiers: ClinVar variation 1954974 (VCV001954974.7), dbSNP rs748337491, ClinGen allele CA10009449.
Genomic context (GRCh38, chr21:33,553,329, plus strand): 5'-GCCAGCCATGGCTGCCCCAGAGTCTTCAGCTATGGCTGTCCTGGAGTCTTCGGCTGTGAC[C>CGTCCTGGAGTCTTCGACTGTGACT]GTCCTGGAGTCTTCGACTGTGACTGTCCTGGAGTCTTCGACTGTAACTGTCCTGGAGCCT-3'

ClinVar aggregate classification (germline): Conflicting classifications of pathogenicity. Review status: criteria provided, conflicting classifications (1 of 4 stars). 2 submissions from 2 submitters: Uncertain significance (1); Likely benign (1). Last evaluated 2024-06-05.

Conditions:
Inborn genetic diseases. Identifiers: MedGen C0950123, MeSH D030342.

Submissions (2):

Labcorp Genetics (formerly Invitae), Labcorp
Classification: Uncertain significance. Last evaluated: 2024-06-05. Review status: criteria provided, single submitter. Criteria: Invitae Variant Classification Sherloc (09022015). Collection method: clinical testing. Allele origin: germline.
Comment: This variant, c.4119_4142dup, results in the insertion of 8 amino acid(s) of the SON protein (p.Ser1378_Glu1385dup), but otherwise preserves the integrity of the reading frame. This variant is present in population databases (rs770646061, gnomAD 0.01%). This variant has not been reported in the literature in individuals affected with SON-related conditions. ClinVar contains an entry for this variant (Variation ID: 1954974). In summary, the available evidence is currently insufficient to determine the role of this variant in disease. Therefore, it has been classified as a Variant of Uncertain Significance.

Ambry Genetics
Classification: Likely benign for Inborn genetic diseases. Last evaluated: 2023-06-02. Review status: criteria provided, single submitter. Criteria: Ambry Variant Classification Scheme 2023. Collection method: clinical testing. Allele origin: germline.